The following is an entry in ClinVar:

ClinVar aggregate classification (germline): Likely pathogenic (1 of 4 stars; one submission).

Conditions:
Saldino-Mainzer syndrome (SRTD9). Also called: CONORENAL SYNDROME; Renal dysplasia, retinal pigmentary dystrophy, cerebellar ataxia and skeletal dysplasia; SHORT-RIB THORACIC DYSPLASIA 9 WITHOUT POLYDACTYLY; short-rib thoracic dysplasia 9 with or without polydactyly. Identifiers: Orphanet 140969, MedGen C1849437, MONDO:0009964, OMIM 266920.

Submission:

Labcorp Genetics (formerly Invitae), Labcorp
Classification: Likely pathogenic for Saldino-Mainzer syndrome. Last evaluated: 2025-04-29. Review status: criteria provided, single submitter. Criteria: Invitae Variant Classification Sherloc (09022015). Collection method: clinical testing. Allele origin: germline.
Comment: This sequence change affects an acceptor splice site in intron 25 of the IFT140 gene. It is expected to disrupt RNA splicing. Variants that disrupt the donor or acceptor splice site typically lead to a loss of protein function (PMID: 16199547), and loss-of-function variants in IFT140 are known to be pathogenic (PMID: 22503633, 23418020, 24009529, 26216056). This variant is not present in population databases (gnomAD no frequency). This variant has not been reported in the literature in individuals affected with IFT140-related conditions. Algorithms developed to predict the effect of sequence changes on RNA splicing suggest that this variant may disrupt the consensus splice site. In summary, the currently available evidence indicates that the variant is pathogenic, but additional data are needed to prove that conclusively. Therefore, this variant has been classified as Likely Pathogenic.

Literature cited by the submitters: PubMed 16199547; PubMed 22503633; PubMed 23418020; PubMed 24009529; PubMed 26216056.

NM_014714.4(IFT140):c.3271-1G>A

Gene: IFT140 (intraflagellar transport 140; minus strand). Cytogenetic location: 16p13.3.
Variant type: single nucleotide variant.
Coding change: c.3271-1G>A on transcript NM_014714.4 (MANE Select); the canonical splice acceptor site of the intron before coding-DNA position 3271, G replaced by A.
Molecular consequence: splice acceptor variant.
Genome position (GRCh38, 1-based): chr16:1,523,701, C>T on the plus strand (G>A on the coding strand, the complement: IFT140 is on the minus strand). VCF-style: chr16-1523701-C-T. GRCh37 (hg19) VCF-style: chr16-1573702-C-T.
Identifiers: ClinVar variation 4718602 (VCV004718602.1).